The following is an entry in ClinVar:

ClinVar aggregate classification (germline): Uncertain significance. Review status: criteria provided, multiple submitters, no conflicts (2 of 4 stars). 3 submissions from 3 submitters: Uncertain significance (3). Last evaluated 2025-11-24.

Conditions:
Familial focal epilepsy with variable foci (FPEVF). Identifiers: Orphanet 98820, MedGen C1858477, MONDO:0020310.
Inborn genetic diseases. Identifiers: MedGen C0950123, MeSH D030342.

Allele frequency attached by ClinVar (database versions not stated): gnomAD exomes 0.00001 and 0.00002; TOPMed 0.00003; gnomAD 0.00001.
gnomAD v4.1: 33 of 1,613,994 alleles (0.002%); highest among the groups gnomAD compares: Middle Eastern, 0.017%; no homozygotes.

Submissions (3):

Ambry Genetics
Classification: Uncertain significance for Inborn genetic diseases. Last evaluated: 2025-11-24. Review status: criteria provided, single submitter. Criteria: Ambry Variant Classification Scheme 2023. Collection method: clinical testing. Allele origin: germline.

Labcorp Genetics (formerly Invitae), Labcorp
Classification: Uncertain significance for Familial focal epilepsy with variable foci. Last evaluated: 2025-02-19. Review status: criteria provided, single submitter. Criteria: Invitae Variant Classification Sherloc (09022015). Collection method: clinical testing. Allele origin: germline.
Comment: This sequence change replaces glutamic acid, which is acidic and polar, with lysine, which is basic and polar, at codon 1246 of the DEPDC5 protein (p.Glu1246Lys). This variant is present in population databases (no rsID available, gnomAD 0.008%). This variant has not been reported in the literature in individuals affected with DEPDC5-related conditions. ClinVar contains an entry for this variant (Variation ID: 1047039). Experimental studies and prediction algorithms are not available or were not evaluated, and the functional significance of this variant is currently unknown. In summary, the available evidence is currently insufficient to determine the role of this variant in disease. Therefore, it has been classified as a Variant of Uncertain Significance.

GeneDx
Classification: Uncertain significance. Last evaluated: 2018-11-02. Review status: criteria provided, single submitter. Criteria: GeneDx Variant Classification Process June 2021. Collection method: clinical testing. Allele origin: germline. Affected: yes.
Comment: Not observed at a significant frequency in large population cohorts (Lek et al., 2016); In silico analysis, which includes protein predictors and evolutionary conservation, supports a deleterious effect; Has not been previously published as pathogenic or benign to our knowledge

NM_001242896.3(DEPDC5):c.3736G>A (p.Glu1246Lys)

Gene: DEPDC5 (DEP domain containing 5, GATOR1 subcomplex subunit; plus strand). Cytogenetic location: 22q12.3.
Variant type: single nucleotide variant.
Coding change: c.3736G>A on transcript NM_001242896.3 (MANE Select); coding-DNA position 3736, G replaced by A.
Protein change: p.Glu1246Lys; replaces glutamic acid 1246 with lysine.
Molecular consequence: missense variant. On other transcripts: non-coding transcript variant (2).
Genome position (GRCh38, 1-based): chr22:31,876,196, G>A. VCF-style: chr22-31876196-G-A. GRCh37 (hg19) VCF-style: chr22-32272182-G-A.
Other names: c.3709G>A, p.Glu1237Lys (NM_001136029.4); c.3436G>A, p.Glu1146Lys (NM_001242897.2); c.3670G>A, p.Glu1224Lys (NM_001363852.2, NM_001364320.2); c.3502G>A, p.Glu1168Lys (NM_001363854.2, NM_001364319.2); c.3736G>A, p.Glu1246Lys (NM_001364318.2); c.3652G>A, p.Glu1218Lys (NM_001369901.1, NM_001369902.1); c.3643G>A, p.Glu1215Lys (NM_001369903.1, NM_014662.6); short protein forms E1146K, E1215K, E1218K, E1168K, E1246K, E1224K, E1237K.
Identifiers: ClinVar variation 1047039 (VCV001047039.11), dbSNP rs1278012679, ClinGen allele CA411279497.